The following is an entry in ClinVar:

NM_000431.4(MVK):c.661_668dup (p.Leu224fs)

Gene: MVK (mevalonate kinase; plus strand). Cytogenetic location: 12q24.11.
Variant type: Duplication.
Coding change: c.661_668dup on transcript NM_000431.4 (MANE Select); coding-DNA positions 661 to 668, 8 bases duplicated (ATTTCATC; older notation c.661_668dupATTTCATC).
Protein change: p.Leu224fs; shifts the reading frame from leucine 224.
Molecular consequence: frameshift variant. On other transcripts: non-coding transcript variant (4).
Genome position (GRCh38, 1-based): chr12:109,586,783-109,586,790, ATTTCATC duplicated. VCF-style (leftmost placement, unchanged base first): chr12-109586782-G-GATTTCATC. GRCh37 (hg19) VCF-style: chr12-110024587-G-GATTTCATC.
Other names: c.661_668dup, p.Leu224fs (NM_001114185.3, NM_001414511.1, NM_001414512.1 and 1 more transcripts); c.505_512dup, p.Leu172fs (NM_001301182.2, NM_001414514.1); c.79_86dup, p.Leu30fs (NM_001414515.1); short protein forms L30fs, L172fs, L224fs.
Identifiers: ClinVar variation 2944926 (VCV002944926.3), dbSNP rs2548631897, ClinGen allele CA2740090812.

ClinVar aggregate classification (germline): Pathogenic (1 of 4 stars; one submission).

Conditions:
Mevalonic aciduria (MEVA). Identifiers: Orphanet 29, MedGen C1959626, MONDO:0012481, OMIM 610377.
Porokeratosis 3, disseminated superficial actinic type (POROK3). Also called: POROKERATOSIS, DISSEMINATED SUPERFICIAL ACTINIC, 1; POROKERATOSIS 3, MULTIPLE TYPES; POROKERATOSIS 3, MIBELLI TYPE. Identifiers: MedGen C1867981, MONDO:0008293, OMIM 175900.
Hyperimmunoglobulin D with periodic fever (HIDS). Also called: Hyperimmunoglobulinemia D with periodic fever; HYPERIMMUNOGLOBULINEMIA D AND PERIODIC FEVER SYNDROME; Hyperimmunoglobulinemia D. Identifiers: Orphanet 343, MedGen C0398691, MONDO:0009849, OMIM 260920.

Submission:

Labcorp Genetics (formerly Invitae), Labcorp
Classification: Pathogenic for Mevalonic aciduria; Hyperimmunoglobulin D with periodic fever; Porokeratosis 3, disseminated superficial actinic type. Last evaluated: 2023-03-03. Review status: criteria provided, single submitter. Criteria: Invitae Variant Classification Sherloc (09022015). Collection method: clinical testing. Allele origin: germline.
Comment: For these reasons, this variant has been classified as Pathogenic. This variant has not been reported in the literature in individuals affected with MVK-related conditions. This variant is not present in population databases (gnomAD no frequency). This sequence change creates a premature translational stop signal (p.Leu224Phefs*4) in the MVK gene. It is expected to result in an absent or disrupted protein product. Loss-of-function variants in MVK are known to be pathogenic (PMID: 16835861, 17105862, 23834120).

Literature cited by the submitters: PubMed 16835861; PubMed 17105862; PubMed 23834120.